The following is an entry in ClinVar:

NM_004329.3(BMPR1A):c.364dup (p.Ile122fs)

Gene: BMPR1A (bone morphogenetic protein receptor type 1A; plus strand). Cytogenetic location: 10q23.2.
Variant type: Duplication.
Coding change: c.364dup on transcript NM_004329.3 (MANE Select); coding-DNA position 364, one base duplicated (A; older notation c.364dupA).
Protein change: p.Ile122fs; shifts the reading frame from isoleucine 122.
Molecular consequence: frameshift variant.
Genome position (GRCh38, 1-based): chr10:86,899,824, A duplicated; the last of 2 consecutive A bases (chr10:86,899,823-86,899,824); duplicating either gives the same sequence. VCF-style (leftmost placement, unchanged base first): chr10-86899822-C-CA. GRCh37 (hg19) VCF-style: chr10-88659579-C-CA.
Other names: c.364dup, p.Ile122Asnfs (NM_001406559.1, NM_001406560.1, NM_001406561.1 and 22 more transcripts); c.280dup, p.Ile94Asnfs (NM_001406584.1, NM_001406585.1, NM_001406586.1 and 2 more transcripts); short protein forms I122fs.
Identifiers: ClinVar variation 2091722 (VCV002091722.4), dbSNP rs2539490085, ClinGen allele CA2580082104.

ClinVar aggregate classification (germline): Pathogenic (1 of 4 stars; one submission).

Conditions:
Juvenile polyposis syndrome (JPS). Identifiers: Orphanet 2929, MedGen C0345893, MONDO:0017380, OMIM 174900.

Submission:

Labcorp Genetics (formerly Invitae), Labcorp
Classification: Pathogenic for Juvenile polyposis syndrome. Last evaluated: 2022-02-02. Review status: criteria provided, single submitter. Criteria: Invitae Variant Classification Sherloc (09022015). Collection method: clinical testing. Allele origin: germline.
Comment: This sequence change creates a premature translational stop signal (p.Ile122Asnfs*10) in the BMPR1A gene. It is expected to result in an absent or disrupted protein product. Loss-of-function variants in BMPR1A are known to be pathogenic (PMID: 11536076, 12417513). This variant is not present in population databases (gnomAD no frequency). This variant has not been reported in the literature in individuals affected with BMPR1A-related conditions. For these reasons, this variant has been classified as Pathogenic.

Literature cited by the submitters: PubMed 11536076; PubMed 12417513.